The following is an entry in ClinVar:

NM_178526.5(SLC25A42):c.250G>A (p.Glu84Lys)

Gene: SLC25A42 (solute carrier family 25 member 42; plus strand). Cytogenetic location: 19p13.11.
Variant type: single nucleotide variant.
Coding change: c.250G>A on transcript NM_178526.5 (MANE Select); coding-DNA position 250, G replaced by A.
Protein change: p.Glu84Lys; replaces glutamic acid 84 with lysine.
Molecular consequence: missense variant.
Genome position (GRCh38, 1-based): chr19:19,105,597, G>A. VCF-style: chr19-19105597-G-A. GRCh37 (hg19) VCF-style: chr19-19216406-G-A.
Other names: c.250G>A, p.Glu84Lys (NM_001321544.2); short protein forms E84K.
Identifiers: ClinVar variation 1931450 (VCV001931450.3), dbSNP rs2059821687, ClinGen allele CA404891912.

ClinVar aggregate classification (germline): Uncertain significance. Review status: criteria provided, multiple submitters, no conflicts (2 of 4 stars). 2 submissions from 2 submitters: Uncertain significance (2). Last evaluated 2022-03-28.

Conditions:
Inborn genetic diseases. Identifiers: MedGen C0950123, MeSH D030342.

Allele frequency attached by ClinVar (database versions not stated): gnomAD exomes below 0.00001; TOPMed below 0.00001; gnomAD 0.00002.
gnomAD v4.1: 12 of 1,613,886 alleles (0.00074%); highest among the groups gnomAD compares: Admixed American, 0.0017%; no homozygotes.

Submissions (2):

Labcorp Genetics (formerly Invitae), Labcorp
Classification: Uncertain significance. Last evaluated: 2022-03-28. Review status: criteria provided, single submitter. Criteria: Invitae Variant Classification Sherloc (09022015). Collection method: clinical testing. Allele origin: germline.
Comment: This sequence change replaces glutamic acid, which is acidic and polar, with lysine, which is basic and polar, at codon 84 of the SLC25A42 protein (p.Glu84Lys). This variant is not present in population databases (gnomAD no frequency). This variant has not been reported in the literature in individuals affected with SLC25A42-related conditions. Algorithms developed to predict the effect of missense changes on protein structure and function are either unavailable or do not agree on the potential impact of this missense change (SIFT: "Tolerated"; PolyPhen-2: "Possibly Damaging"; Align-GVGD: "Class C15"). In summary, the available evidence is currently insufficient to determine the role of this variant in disease. Therefore, it has been classified as a Variant of Uncertain Significance.

Ambry Genetics
Classification: Uncertain significance for Inborn genetic diseases. Last evaluated: 2021-07-13. Review status: criteria provided, single submitter. Criteria: Ambry Variant Classification Scheme 2023. Collection method: clinical testing. Allele origin: germline.